The following is an entry in ClinVar:

NM_153682.3(PIGP):c.115T>C (p.Ser39Pro)

Gene: PIGP (phosphatidylinositol glycan anchor biosynthesis class P; minus strand). Cytogenetic location: 21q22.13.
Variant type: single nucleotide variant.
Coding change: c.115T>C on transcript NM_153682.3 (MANE Select); coding-DNA position 115, T replaced by C.
Protein change: p.Ser39Pro; replaces serine 39 with proline.
Molecular consequence: missense variant.
Genome position (GRCh38, 1-based): chr21:37,069,592, A>G on the plus strand (T>C on the coding strand, the complement: PIGP is on the minus strand). VCF-style: chr21-37069592-A-G. GRCh37 (hg19) VCF-style: chr21-38441892-A-G.
Other names: c.115T>C, p.Ser39Pro (NM_001320480.2); c.37T>C, p.Ser13Pro (NM_016430.4); c.187T>C, p.Ser63Pro (NM_153681.2); short protein forms S63P, S13P, S39P.
Identifiers: ClinVar variation 1418079 (VCV001418079.6), dbSNP rs779308653, ClinGen allele CA10021109.
Genomic context (GRCh38, chr21:37,069,592, plus strand): 5'-AAGAAATATATTAAACTTACTTTTGAGGCCAATAGGTTAAACCTAAAGAGTTTAGCCAAG[A>G]TTCAGGAATAAAGGCCCACACGAGGTAAAGTACTGTAGAAAAGAAAAAGAAAAAAAAGAG-3'
Protein context (NP_710149.1, residues 29-49): LYLVWAFIPE[Ser39Pro]WLNSLGLTYW

ClinVar aggregate classification (germline): Uncertain significance. Review status: criteria provided, multiple submitters, no conflicts (2 of 4 stars). 3 submissions from 3 submitters: Uncertain significance (3). Last evaluated 2024-06-04.

Conditions:
Inborn genetic diseases. Identifiers: MedGen C0950123, MeSH D030342.

Allele frequency attached by ClinVar (database versions not stated): gnomAD 0.00003; ExAC 0.00007; gnomAD exomes 0.00007; TOPMed 0.00014.

Submissions (3):

Ambry Genetics
Classification: Uncertain significance for Inborn genetic diseases. Last evaluated: 2024-06-04. Review status: criteria provided, single submitter. Criteria: Ambry Variant Classification Scheme 2023. Collection method: clinical testing. Allele origin: germline.

Blueprint Genetics
Classification: Uncertain significance. Last evaluated: 2024-04-01. Review status: criteria provided, single submitter. Criteria: ACMG Guidelines, 2015. Collection method: clinical testing. Allele origin: germline.

Labcorp Genetics (formerly Invitae), Labcorp
Classification: Uncertain significance. Last evaluated: 2022-09-07. Review status: criteria provided, single submitter. Criteria: Invitae Variant Classification Sherloc (09022015). Collection method: clinical testing. Allele origin: germline.
Comment: This sequence change replaces serine, which is neutral and polar, with proline, which is neutral and non-polar, at codon 63 of the PIGP protein (p.Ser63Pro). This variant is present in population databases (rs779308653, gnomAD 0.02%). This variant has not been reported in the literature in individuals affected with PIGP-related conditions. ClinVar contains an entry for this variant (Variation ID: 1418079). Algorithms developed to predict the effect of missense changes on protein structure and function output the following: SIFT: "Tolerated"; PolyPhen-2: "Benign"; Align-GVGD: "Class C0". The proline amino acid residue is found in multiple mammalian species, which suggests that this missense change does not adversely affect protein function. In summary, the available evidence is currently insufficient to determine the role of this variant in disease. Therefore, it has been classified as a Variant of Uncertain Significance.